The following is an entry in ClinVar:

ClinVar aggregate classification (germline): Pathogenic/Likely pathogenic. Review status: criteria provided, multiple submitters, no conflicts (2 of 4 stars). 2 submissions from 2 submitters: Pathogenic (1); Likely pathogenic (1). Last evaluated 2025-01-23.

Conditions:
Fatal mitochondrial disease due to combined oxidative phosphorylation defect type 3. Also called: Combined oxidative phosphorylation deficiency 3; ENCEPHALOMYOPATHY, RESPIRATORY FAILURE, AND LACTIC ACIDOSIS. Identifiers: Orphanet 168566, MedGen C1864840, MONDO:0012512, OMIM 610505.

gnomAD v4.1: 1 of 1,613,384 alleles (0.000062%); highest among the groups gnomAD compares: Non-Finnish European, 0.000085%; no homozygotes.

Submissions (2):

Natera, Inc.
Classification: Likely pathogenic for Combined oxidative phosphorylation deficiency 3. Last evaluated: 2025-01-23. Review status: criteria provided, single submitter. Criteria: Natera Variant Classification Schema (03/2026). Collection method: clinical testing. Allele origin: germline.
Comment: The c.711T>G variant in TSFM is a nonsense variant predicted to introduce a stop codon at amino acid 237. This variant is expected to result in nonsense mediated decay, truncation, or a dysfunctional protein product. This variant is rare in the general population with a frequency below the threshold expected for the associated phenotype(s). Given the available evidence, this variant is classified as Likely Pathogenic.

Labcorp Genetics (formerly Invitae), Labcorp
Classification: Pathogenic. Last evaluated: 2021-07-30. Review status: criteria provided, single submitter. Criteria: Invitae Variant Classification Sherloc (09022015). Collection method: clinical testing. Allele origin: germline.
Comment: For these reasons, this variant has been classified as Pathogenic. This variant disrupts a region of the TSFM protein in which other variant(s) (p.Arg333Trp) have been determined to be pathogenic (PMID: 17033963, 21741925, 22277967). This suggests that this is a clinically significant region of the protein, and that variants that disrupt it are likely to be disease-causing. Algorithms developed to predict the effect of sequence changes on RNA splicing suggest that this variant may create or strengthen a splice site. This sequence change creates a premature translational stop signal (p.Tyr237*) in the TSFM gene. While this is not anticipated to result in nonsense mediated decay, it is expected to disrupt the last 110 amino acid(s) of the TSFM protein. This variant is not present in population databases (ExAC no frequency). A different variant (c.710dup) giving rise to the same protein effect has been determined to be pathogenic (Invitae). This suggests that this variant is also likely to be causative of disease.

Literature cited by the submitters: PubMed 17033963 (cited by Labcorp Genetics (formerly Invitae), Labcorp); PubMed 21741925 (cited by Labcorp Genetics (formerly Invitae), Labcorp); PubMed 22277967 (cited by Labcorp Genetics (formerly Invitae), Labcorp).

NM_005726.6(TSFM):c.648T>G (p.Tyr216Ter)

Gene: TSFM (Ts translation elongation factor, mitochondrial; plus strand). Cytogenetic location: 12q14.1.
Variant type: single nucleotide variant.
Coding change: c.648T>G on transcript NM_005726.6 (MANE Select); coding-DNA position 648, T replaced by G.
Protein change: p.Tyr216Ter; replaces tyrosine 216 with a stop codon.
Molecular consequence: nonsense. On other transcripts: 3 prime UTR variant (1), intron variant (1).
Genome position (GRCh38, 1-based): chr12:57,796,253, T>G. VCF-style: chr12-57796253-T-G. GRCh37 (hg19) VCF-style: chr12-58190036-T-G.
Other names: c.*56T>G (NM_001172695.2); c.711T>G, p.Tyr237Ter (NM_001172696.2); c.571+3180T>G (NM_001172697.2); c.711T>G (NM_001172696.1); short protein forms Y216*, Y237*.
Identifiers: ClinVar variation 1392216 (VCV001392216.7), dbSNP rs572532426, ClinGen allele CA385530222.